The following is an entry in ClinVar:

NM_000051.4(ATM):c.6304G>A (p.Ala2102Thr)

Genes: ATM (ATM serine/threonine kinase; plus strand), C11orf65 (chromosome 11 open reading frame 65; minus strand). Cytogenetic location: 11q22.3.
Variant type: single nucleotide variant.
Coding change: c.6304G>A on transcript NM_000051.4 (MANE Select); coding-DNA position 6304, G replaced by A.
Protein change: p.Ala2102Thr; replaces alanine 2102 with threonine.
Molecular consequence: missense variant. On other transcripts: intron variant (2).
Genome position (GRCh38, 1-based): chr11:108,317,478, G>A. VCF-style: chr11-108317478-G-A. GRCh37 (hg19) VCF-style: chr11-108188205-G-A.
Other names: c.6304G>A, p.Ala2102Thr (NM_001351834.2); c.641-8407C>T (NM_001330368.2); c.*39-8407C>T (NM_001351110.2); short protein forms A2102T.
Identifiers: ClinVar variation 629830 (VCV000629830.6), dbSNP rs1565503340, ClinGen allele CA382552122.

ClinVar aggregate classification (germline): Uncertain significance (1 of 4 stars; one submission).

Conditions:
Hereditary cancer-predisposing syndrome. Also called: Tumor predisposition; Hereditary neoplastic syndrome; Neoplastic Syndromes, Hereditary; Hereditary Cancer Syndrome. Identifiers: Orphanet 140162, MedGen C0027672, MeSH D009386, MONDO:0015356.

Submission:

Color Diagnostics, LLC DBA Color Health
Classification: Uncertain significance for Hereditary cancer-predisposing syndrome. Last evaluated: 2023-12-06. Review status: criteria provided, single submitter. Criteria: ACMG Guidelines, 2015. Collection method: clinical testing. Allele origin: germline.
Comment: This missense variant replaces alanine with threonine at codon 2102 of the ATM protein. Computational prediction suggests that this variant may not impact protein structure and function (internally defined REVEL score threshold <= 0.5, PMID: 27666373). To our knowledge, functional studies have not been reported for this variant. This variant has not been reported in individuals affected with ATM-related disorders in the literature. This variant has not been identified in the general population by the Genome Aggregation Database (gnomAD). The available evidence is insufficient to determine the role of this variant in disease conclusively. Therefore, this variant is classified as a Variant of Uncertain Significance.